The following is an entry in ClinVar:

NM_000051.4(ATM):c.567A>G (p.Arg189=)

Gene: ATM (ATM serine/threonine kinase; plus strand). Cytogenetic location: 11q22.3.
Variant type: single nucleotide variant.
Coding change: c.567A>G on transcript NM_000051.4 (MANE Select); coding-DNA position 567, A replaced by G.
Protein change: p.Arg189=; no amino-acid change (arginine 189 retained).
Molecular consequence: synonymous variant.
Genome position (GRCh38, 1-based): chr11:108,244,023, A>G. VCF-style: chr11-108244023-A-G. GRCh37 (hg19) VCF-style: chr11-108114750-A-G.
Other names: c.567A>G, p.Arg189= (NM_001351834.2).
Identifiers: ClinVar variation 478962 (VCV000478962.18), dbSNP rs1555066398, ClinGen allele CA476671434.
Genomic context (GRCh38, chr11:108,244,023, plus strand): 5'-TGTGTACTTCAGGCTCTATCTGAAACCTTCACAAGATGTTCATAGAGTTTTAGTGGCTAG[A>G]ATAATTCATGCTGTTACCAAAGGATGCTGTTCTCAGACTGACGGATTAAATTCCAAATTT-3'
Protein context (NP_000042.3, residues 179-199): SQDVHRVLVA[Arg189=]IIHAVTKGCC

ClinVar aggregate classification (germline): Conflicting classifications of pathogenicity. Review status: criteria provided, conflicting classifications (1 of 4 stars). 5 submissions from 5 submitters: Uncertain significance (1); Benign (1); Likely benign (3). Last evaluated 2025-12-03.

Conditions:
Hereditary cancer-predisposing syndrome. Also called: Tumor predisposition; Neoplastic Syndromes, Hereditary; Hereditary Cancer Syndrome; Hereditary neoplastic syndrome. Identifiers: Orphanet 140162, MedGen C0027672, MeSH D009386, MONDO:0015356.
Familial cancer of breast. Also called: BREAST CANCER, FAMILIAL; Hereditary breast cancer; hereditary breast carcinoma. Identifiers: Orphanet 227535, MedGen C0346153, MONDO:0016419, OMIM 114480. Disease mechanism: loss of function.
Ataxia-telangiectasia syndrome (AT). Also called: Cerebello-oculocutaneous telangiectasia; Immunodeficiency with ataxia telangiectasia; ATAXIA-TELANGIECTASIA, COMPLEMENTATION GROUP A; Ataxia-telangiectasia, complementation group D; AT, COMPLEMENTATION GROUP C; ATAXIA-TELANGIECTASIA, FRESNO VARIANT. Identifiers: Orphanet 100, MedGen C0004135, MONDO:0008840, OMIM 208900.

Submissions (5):

Labcorp Genetics (formerly Invitae), Labcorp
Classification: Likely benign for Ataxia-telangiectasia syndrome. Last evaluated: 2025-12-03. Review status: criteria provided, single submitter. Criteria: Invitae Variant Classification Sherloc (09022015). Collection method: clinical testing. Allele origin: germline.

Color Diagnostics, LLC DBA Color Health
Classification: Likely benign for Hereditary cancer-predisposing syndrome. Last evaluated: 2025-04-28. Review status: criteria provided, single submitter. Criteria: ACMG Guidelines, 2015. Collection method: clinical testing. Allele origin: germline.

Quest Diagnostics Nichols Institute San Juan Capistrano
Classification: Uncertain significance. Last evaluated: 2024-10-07. Review status: criteria provided, single submitter. Criteria: Quest Diagnostics criteria. Collection method: clinical testing. Allele origin: unknown.
Comment: The ATM c.567A>G (p.Arg189=) synonymous variant has not been reported in individuals with ATM-related conditions in the published literature. It also has not been reported in large, multi-ethnic general populations (Genome Aggregation Database). Analysis of this variant using software algorithms for the prediction of the effect of nucleotide changes on splicing yielded predictions that this variant does not affect ATM mRNA splicing. Based on the available information, we are unable to determine the clinical significance of this variant.

Myriad Genetics, Inc.
Classification: Benign for Familial cancer of breast. Last evaluated: 2024-04-19. Review status: criteria provided, single submitter. Criteria: Myriad Autosomal Dominant, Autosomal Recessive and X-Linked Classification Criteria (2023). Collection method: clinical testing. Allele origin: unknown.
Comment: This variant is considered benign. This variant is a silent/synonymous amino acid change and it is not expected to impact splicing.

Ambry Genetics
Classification: Likely benign for Hereditary cancer-predisposing syndrome. Last evaluated: 2016-03-21. Review status: criteria provided, single submitter. Criteria: Ambry Variant Classification Scheme 2023. Collection method: clinical testing. Allele origin: germline.